The following is an entry in ClinVar:

ClinVar aggregate classification (germline): Uncertain significance (1 of 4 stars; one submission).

Submission:

GeneDx
Classification: Uncertain significance. Last evaluated: 2025-05-08. Review status: criteria provided, single submitter. Criteria: GeneDx Variant Classification Process June 2021. Collection method: clinical testing. Allele origin: germline. Affected: yes.
Comment: Not observed at significant frequency in large population cohorts (gnomAD); In silico analysis suggests that this missense variant does not alter protein structure/function; Has not been previously published as pathogenic or benign to our knowledge

NM_014225.6(PPP2R1A):c.864G>T (p.Gln288His)

Gene: PPP2R1A (protein phosphatase 2 scaffold subunit Aalpha; plus strand). Cytogenetic location: 19q13.41.
Variant type: single nucleotide variant.
Coding change: c.864G>T on transcript NM_014225.6 (MANE Select); coding-DNA position 864, G replaced by T.
Protein change: p.Gln288His; replaces glutamine 288 with histidine.
Molecular consequence: missense variant. On other transcripts: non-coding transcript variant (1).
Genome position (GRCh38, 1-based): chr19:52,215,835, G>T. VCF-style: chr19-52215835-G-T. GRCh37 (hg19) VCF-style: chr19-52719088-G-T.
Other names: c.327G>T, p.Gln109His (NM_001363656.2); short protein forms Q109H, Q288H.
Identifiers: ClinVar variation 1313404 (VCV001313404.3), dbSNP rs2122348542, ClinGen allele CA407186319.